The following is an entry in ClinVar:

ClinVar aggregate classification (germline): Uncertain significance (1 of 4 stars; one submission).

gnomAD v4.1: 5 of 1,603,728 alleles (0.00031%); highest among the groups gnomAD compares: South Asian, 0.0011%; no homozygotes.

Submission:

Ambry Genetics
Classification: Uncertain significance. Last evaluated: 2025-08-14. Review status: criteria provided, single submitter. Criteria: Ambry Variant Classification Scheme 2023. Collection method: clinical testing. Allele origin: germline.
Comment: The p.I141V variant (also known as c.421A>G), located in coding exon 4 of the RAD51B gene, results from an A to G substitution at nucleotide position 421. The isoleucine at codon 141 is replaced by valine, an amino acid with highly similar properties. This amino acid position is conserved. In addition, this alteration is predicted to be tolerated by in silico analysis. Based on the available evidence, the clinical significance of this variant remains unclear.

NM_133510.4(RAD51B):c.421A>G (p.Ile141Val)

Gene: RAD51B (RAD51 paralog B; plus strand). Cytogenetic location: 14q24.1.
Variant type: single nucleotide variant.
Coding change: c.421A>G on transcript NM_133510.4 (MANE Select); coding-DNA position 421, A replaced by G.
Protein change: p.Ile141Val; replaces isoleucine 141 with valine.
Molecular consequence: missense variant.
Genome position (GRCh38, 1-based): chr14:67,865,108, A>G. VCF-style: chr14-67865108-A-G. GRCh37 (hg19) VCF-style: chr14-68331825-A-G.
Other names: c.421A>G, p.Ile141Val (NM_001321809.2, NM_001321810.2, NM_001321812.1 and 6 more transcripts); c.307A>G, p.Ile103Val (NM_001321815.1); c.64A>G, p.Ile22Val (NM_001321817.2); short protein forms I103V, I22V, I141V.
Identifiers: ClinVar variation 4149849 (VCV004149849.1).